The following is an entry in ClinVar:

NM_001368067.1(LDB3):c.775C>T (p.Arg259Cys)

Gene: LDB3 (LIM domain binding 3; plus strand). Cytogenetic location: 10q23.2.
Variant type: single nucleotide variant.
Coding change: c.775C>T on transcript NM_001368067.1 (MANE Plus Clinical); coding-DNA position 775, C replaced by T.
Protein change: p.Arg259Cys; replaces arginine 259 with cysteine.
Molecular consequence: missense variant. On other transcripts: intron variant (6).
Genome position (GRCh38, 1-based): chr10:86,699,297, C>T. VCF-style: chr10-86699297-C-T. GRCh37 (hg19) VCF-style: chr10-88459054-C-T.
Other names: c.916C>T, p.Arg306Cys (NM_001080115.2, NM_001368063.1); c.775C>T, p.Arg259Cys (NM_001080116.1, NM_001368068.1); c.1120C>T, p.Arg374Cys (NM_001171611.2); c.896+6726C>T (NM_001368064.1, NM_007078.3, NM_001368065.1); c.1100+6726C>T (NM_001171610.2); c.755+6726C>T (NM_001368066.1, NM_001080114.2); short protein forms R374C, R259C, R306C.
Identifiers: ClinVar variation 2964331 (VCV002964331.3), dbSNP rs397516560, ClinGen allele CA5584972.

ClinVar aggregate classification (germline): Uncertain significance (1 of 4 stars; one submission).

Conditions:
Myofibrillar myopathy 4. Also called: Zaspopathy (type). Identifiers: Orphanet 98912, MedGen C4721886, MONDO:0012277, OMIM 609452.

Allele frequency attached by ClinVar (database versions not stated): TOPMed 0.00001; ExAC 0.00003; gnomAD 0.00003.
gnomAD v4.1: 22 of 1,613,156 alleles (0.0014%); highest among the groups gnomAD compares: South Asian, 0.016%; no homozygotes.

Submission:

Labcorp Genetics (formerly Invitae), Labcorp
Classification: Uncertain significance for Myofibrillar myopathy 4. Last evaluated: 2025-12-08. Review status: criteria provided, single submitter. Criteria: Invitae Variant Classification Sherloc (09022015). Collection method: clinical testing. Allele origin: germline.
Comment: This sequence change replaces arginine, which is basic and polar, with cysteine, which is neutral and slightly polar, at codon 259 of the LDB3 protein (p.Arg259Cys). This variant is present in population databases (rs397516560, gnomAD 0.01%). This variant has not been reported in the literature in individuals affected with LDB3-related conditions. ClinVar contains an entry for this variant (Variation ID: 2964331). An algorithm developed to predict the effect of missense changes on protein structure and function (PolyPhen-2) suggests that this variant is likely to be disruptive. In summary, the available evidence is currently insufficient to determine the role of this variant in disease. Therefore, it has been classified as a Variant of Uncertain Significance.